The following is an entry in ClinVar:

NM_018368.4(LMBRD1):c.1199T>C (p.Ile400Thr)

Gene: LMBRD1 (LMBR1 domain containing 1; minus strand). Cytogenetic location: 6q13.
Variant type: single nucleotide variant.
Coding change: c.1199T>C on transcript NM_018368.4 (MANE Select); coding-DNA position 1199, T replaced by C.
Protein change: p.Ile400Thr; replaces isoleucine 400 with threonine.
Molecular consequence: missense variant.
Genome position (GRCh38, 1-based): chr6:69,699,182, A>G on the plus strand (T>C on the coding strand, the complement: LMBRD1 is on the minus strand). VCF-style: chr6-69699182-A-G. GRCh37 (hg19) VCF-style: chr6-70409074-A-G.
Other names: c.980T>C, p.Ile327Thr (NM_001363722.2, NM_001367271.1, NM_001367272.1); short protein forms I327T, I400T.
Identifiers: ClinVar variation 851811 (VCV000851811.6), dbSNP rs147447600, ClinGen allele CA3879631.

ClinVar aggregate classification (germline): Uncertain significance. Review status: criteria provided, multiple submitters, no conflicts (2 of 4 stars). 3 submissions from 3 submitters: Uncertain significance (3). Last evaluated 2024-03-15.

Conditions:
Inborn genetic diseases. Identifiers: MedGen C0950123, MeSH D030342.
Methylmalonic aciduria and homocystinuria type cblF. Also called: METHYLMALONIC ACIDEMIA AND HOMOCYSTINURIA, cblF TYPE; METHYLMALONIC ACIDURIA DUE TO VITAMIN B12-RELEASE DEFECT; VITAMIN B12 LYSOSOMAL RELEASE DEFECT; VITAMIN B12 STORAGE DISEASE; COBALAMIN F DISEASE; COBALAMIN, DEFECT IN LYSOSOMAL RELEASE OF. Identifiers: Orphanet 79284, MedGen C1848578, MONDO:0010183, OMIM 277380.

Allele frequency attached by ClinVar (database versions not stated): gnomAD exomes 0.00005 and 0.00010; ExAC 0.00013; 1000 Genomes Project 30x 0.00016; 1000 Genomes Project 0.00020; gnomAD 0.00049 and 0.00055; TOPMed 0.00061; ESP Exome Variant Server 0.00062.
gnomAD v4.1: 149 of 1,611,408 alleles (0.0092%); highest among the groups gnomAD compares: African/African-American, 0.19%; no homozygotes.

Submissions (3):

Ambry Genetics
Classification: Uncertain significance for Inborn genetic diseases. Last evaluated: 2024-03-15. Review status: criteria provided, single submitter. Criteria: Ambry Variant Classification Scheme 2023. Collection method: clinical testing. Allele origin: germline.

GeneDx
Classification: Uncertain significance. Last evaluated: 2023-04-12. Review status: criteria provided, single submitter. Criteria: GeneDx Variant Classification Process June 2021. Collection method: clinical testing. Allele origin: germline. Affected: yes.
Comment: In silico analysis supports that this missense variant has a deleterious effect on protein structure/function; Has not been previously published as pathogenic or benign to our knowledge

Labcorp Genetics (formerly Invitae), Labcorp
Classification: Uncertain significance for Methylmalonic aciduria and homocystinuria type cblF. Last evaluated: 2022-08-19. Review status: criteria provided, single submitter. Criteria: Invitae Variant Classification Sherloc (09022015). Collection method: clinical testing. Allele origin: germline.
Comment: This sequence change replaces isoleucine, which is neutral and non-polar, with threonine, which is neutral and polar, at codon 400 of the LMBRD1 protein (p.Ile400Thr). This variant is present in population databases (rs147447600, gnomAD 0.2%). This variant has not been reported in the literature in individuals affected with LMBRD1-related conditions. ClinVar contains an entry for this variant (Variation ID: 851811). Algorithms developed to predict the effect of missense changes on protein structure and function (SIFT, PolyPhen-2, Align-GVGD) all suggest that this variant is likely to be disruptive. In summary, the available evidence is currently insufficient to determine the role of this variant in disease. Therefore, it has been classified as a Variant of Uncertain Significance.